The following is an entry in ClinVar:

NM_005477.3(HCN4):c.17C>G (p.Pro6Arg)

Gene: HCN4 (hyperpolarization activated cyclic nucleotide gated potassium channel 4; minus strand). Cytogenetic location: 15q24.1.
Variant type: single nucleotide variant.
Coding change: c.17C>G on transcript NM_005477.3 (MANE Select); coding-DNA position 17, C replaced by G.
Protein change: p.Pro6Arg; replaces proline 6 with arginine.
Molecular consequence: missense variant.
Genome position (GRCh38, 1-based): chr15:73,368,254, G>C on the plus strand (C>G on the coding strand, the complement: HCN4 is on the minus strand). VCF-style: chr15-73368254-G-C. GRCh37 (hg19) VCF-style: chr15-73660595-G-C.
Other names: p.Pro6Arg; short protein forms P6R.
Identifiers: ClinVar variation 850598 (VCV000850598.14), dbSNP rs772656493, ClinGen allele CA393099265.
Genomic context (GRCh38, chr15:73,368,254, plus strand): 5'-ATGATCCACGCCTTGGCCCCCACCTGCTGCGGGAGGCTGTAGAGCCGCTTGCGCATGGAC[G>C]GCGGCAGCTTGTCCATGGCGCCAGGGGCCGGGGTCGGACCGGGCCGGGGGCAGGAGCGCG-3'
Protein context (NP_005468.1, residues 1-16): MDKLP[Pro6Arg]SMRKRLYSLP

ClinVar aggregate classification (germline): Uncertain significance. Review status: criteria provided, multiple submitters, no conflicts (2 of 4 stars). 4 submissions from 4 submitters: Uncertain significance (4). Last evaluated 2025-09-07.

Conditions:
Cardiovascular phenotype. Identifiers: MedGen CN230736.
Brugada syndrome 8 (BRGDA8). Identifiers: Orphanet 130, MedGen C2751083, MONDO:0013148, OMIM 613123.

gnomAD v4.1: 13 of 1,496,910 alleles (0.00087%); highest among the groups gnomAD compares: Non-Finnish European, 0.0012%; no homozygotes.

Submissions (4):

Labcorp Genetics (formerly Invitae), Labcorp
Classification: Uncertain significance for Brugada syndrome 8. Last evaluated: 2025-09-07. Review status: criteria provided, single submitter. Criteria: Invitae Variant Classification Sherloc (09022015). Collection method: clinical testing. Allele origin: germline.
Comment: This sequence change replaces proline, which is neutral and non-polar, with arginine, which is basic and polar, at codon 6 of the HCN4 protein (p.Pro6Arg). This variant is not present in population databases (gnomAD no frequency). This variant has not been reported in the literature in individuals affected with HCN4-related conditions. ClinVar contains an entry for this variant (Variation ID: 850598). Invitae Evidence Modeling of protein sequence and biophysical properties (such as structural, functional, and spatial information, amino acid conservation, physicochemical variation, residue mobility, and thermodynamic stability) has been performed for this missense variant. However, the output from this modeling did not meet the statistical confidence thresholds required to predict the impact of this variant on HCN4 protein function. In summary, the available evidence is currently insufficient to determine the role of this variant in disease. Therefore, it has been classified as a Variant of Uncertain Significance.

Mayo Clinic Laboratories, Mayo Clinic
Classification: Uncertain significance. Last evaluated: 2024-07-31. Review status: criteria provided, single submitter. Criteria: ACMG Guidelines, 2015. Collection method: clinical testing. Allele origin: germline. Observed: 1 variant allele.
Comment: PM2

Ambry Genetics
Classification: Uncertain significance for Cardiovascular phenotype. Last evaluated: 2023-06-12. Review status: criteria provided, single submitter. Criteria: Ambry Variant Classification Scheme 2023. Collection method: clinical testing. Allele origin: germline.
Comment: The p.P6R variant (also known as c.17C>G), located in coding exon 1 of the HCN4 gene, results from a C to G substitution at nucleotide position 17. The proline at codon 6 is replaced by arginine, an amino acid with dissimilar properties. This amino acid position is not well conserved in available vertebrate species. In addition, the in silico prediction for this alteration is inconclusive. Since supporting evidence is limited at this time, the clinical significance of this alteration remains unclear.

Blueprint Genetics
Classification: Uncertain significance. Last evaluated: 2022-10-13. Review status: criteria provided, single submitter. Criteria: ACMG Guidelines, 2015. Collection method: clinical testing. Allele origin: germline.